The following is an entry in ClinVar:

NM_004168.4(SDHA):c.785C>A (p.Thr262Asn)

Gene: SDHA (succinate dehydrogenase complex flavoprotein subunit A; plus strand). Cytogenetic location: 5p15.33.
Variant type: single nucleotide variant.
Coding change: c.785C>A on transcript NM_004168.4 (MANE Select); coding-DNA position 785, C replaced by A.
Protein change: p.Thr262Asn; replaces threonine 262 with asparagine.
Molecular consequence: missense variant.
Genome position (GRCh38, 1-based): chr5:230,890, C>A. VCF-style: chr5-230890-C-A. GRCh37 (hg19) VCF-style: chr5-231005-C-A.
Other names: c.641C>A, p.Thr214Asn (NM_001294332.2); c.785C>A, p.Thr262Asn (NM_001330758.2); c.785C>A (NM_004168.2); short protein forms T214N, T262N.
Identifiers: ClinVar variation 3754190 (VCV003754190.3).

ClinVar aggregate classification (germline): Uncertain significance. Review status: criteria provided, multiple submitters, no conflicts (2 of 4 stars). 2 submissions from 2 submitters: Uncertain significance (2). Last evaluated 2025-05-01.

Conditions:
Mitochondrial complex II deficiency, nuclear type 1. Also called: SUCCINATE CoQ REDUCTASE DEFICIENCY. Identifiers: Orphanet 3208, MedGen C5700310, MONDO:0100294, OMIM 252011.
Pheochromocytoma/paraganglioma syndrome 5. Also called: Paragangliomas 5; SDHA-Related Hereditary Paraganglioma-Pheochromocytoma Syndrome. Identifiers: Orphanet 29072, MedGen C3279992, MONDO:0013602, OMIM 614165.
Hereditary cancer-predisposing syndrome. Also called: Hereditary neoplastic syndrome; Neoplastic Syndromes, Hereditary; Tumor predisposition; Hereditary Cancer Syndrome. Identifiers: Orphanet 140162, MedGen C0027672, MeSH D009386, MONDO:0015356.

Submissions (2):

Ambry Genetics
Classification: Uncertain significance for Hereditary cancer-predisposing syndrome. Last evaluated: 2025-05-01. Review status: criteria provided, single submitter. Criteria: Ambry Variant Classification Scheme 2023. Collection method: clinical testing. Allele origin: germline.
Comment: The p.T262N variant (also known as c.785C>A), located in coding exon 7 of the SDHA gene, results from a C to A substitution at nucleotide position 785. The threonine at codon 262 is replaced by asparagine, an amino acid with similar properties. This amino acid position is highly conserved in available vertebrate species. In addition, this alteration is predicted to be tolerated by in silico analysis. Based on the available evidence, the clinical significance of this variant remains unclear.

Labcorp Genetics (formerly Invitae), Labcorp
Classification: Uncertain significance for Pheochromocytoma/paraganglioma syndrome 5; Mitochondrial complex II deficiency, nuclear type 1. Last evaluated: 2025-01-22. Review status: criteria provided, single submitter. Criteria: Invitae Variant Classification Sherloc (09022015). Collection method: clinical testing. Allele origin: germline.
Comment: This sequence change replaces threonine, which is neutral and polar, with asparagine, which is neutral and polar, at codon 262 of the SDHA protein (p.Thr262Asn). This variant is not present in population databases (gnomAD no frequency). This variant has not been reported in the literature in individuals affected with SDHA-related conditions. Invitae Evidence Modeling of protein sequence and biophysical properties (such as structural, functional, and spatial information, amino acid conservation, physicochemical variation, residue mobility, and thermodynamic stability) indicates that this missense variant is not expected to disrupt SDHA protein function with a negative predictive value of 95%. In summary, the available evidence is currently insufficient to determine the role of this variant in disease. Therefore, it has been classified as a Variant of Uncertain Significance.